The following is an entry in ClinVar:

ClinVar aggregate classification (germline): Uncertain significance (1 of 4 stars; one submission).

Conditions:
Cardiomyopathy, familial restrictive, 3. Identifiers: Orphanet 75249, MedGen C2676271, MONDO:0012900, OMIM 612422.
Dilated cardiomyopathy 1D. Identifiers: Orphanet 154, Orphanet 54260, MedGen C1832243, MONDO:0011095, OMIM 601494.
Hypertrophic cardiomyopathy 2. Also called: TNNT2-Related Familial Hypertrophic Cardiomyopathy. Identifiers: MedGen C1861864, MONDO:0007266, OMIM 115195.

Submission:

Labcorp Genetics (formerly Invitae), Labcorp
Classification: Uncertain significance for Cardiomyopathy, familial restrictive, 3; Hypertrophic cardiomyopathy 2; Dilated cardiomyopathy 1D. Last evaluated: 2022-05-10. Review status: criteria provided, single submitter. Criteria: Invitae Variant Classification Sherloc (09022015). Collection method: clinical testing. Allele origin: germline.
Comment: A copy number gain of the genomic region encompassing the full coding sequence of the TNNT2 gene has been identified. The boundaries of this event are unknown as they extend beyond the assayed region for this gene and therefore may encompass additional genes. As the precise location of this event is unknown, it may be in tandem or it may be located elsewhere in the genome. This variant has not been reported in the literature in individuals affected with TNNT2-related conditions. In summary, the available evidence is currently insufficient to determine the role of this variant in disease. Therefore, it has been classified as a Variant of Uncertain Significance.

NC_000001.10:g.(?_201328338)_(201342382_?)dup

Gene: TNNT2 (troponin T2, cardiac type; minus strand). Cytogenetic location: 1q32.1.
Variant type: Duplication.
Identifiers: ClinVar variation 2423449 (VCV002423449.2).